The following is an entry in ClinVar:

ClinVar aggregate classification (germline): Pathogenic (1 of 4 stars; one submission).

Conditions:
Ehlers-Danlos syndrome due to tenascin-X deficiency (EDSCLL1). Also called: Ehlers-Danlos syndrome, classic-like, 1; EHLERS-DANLOS SYNDROME, CLASSIC-LIKE; TNXB-Related Classical-Like Ehlers-Danlos Syndrome; EDS DUE TO TNX DEFICIENCY; TNX DEFICIENCY. Identifiers: Orphanet 230839, MedGen C1848029, MONDO:0011670, OMIM 606408.

Submission:

Myriad Genetics, Inc.
Classification: Pathogenic for Ehlers-Danlos syndrome due to tenascin-X deficiency. Last evaluated: 2024-08-24. Review status: criteria provided, single submitter. Criteria: Myriad Autosomal Dominant, Autosomal Recessive and X-Linked Classification Criteria (2023). Collection method: clinical testing. Allele origin: unknown.
Comment: NM_019105.6(TNXB):c.10411C>T(Q3471*) is expected to be pathogenic in the context of classical-like Ehlers-Danlos syndrome, TNXB-related. This variant is predicted to lead to an abnormal or absent protein product due to the creation of a premature termination codon in TNXB, a gene where loss-of-function variants are known to be pathogenic. Please note: this variant was assessed in the context of healthy population screening.

NM_001365276.2(TNXB):c.10417C>T (p.Gln3473Ter)

Gene: TNXB (tenascin XB; minus strand). Cytogenetic location: 6p21.33.
Variant type: single nucleotide variant.
Coding change: c.10417C>T on transcript NM_001365276.2 (MANE Select); coding-DNA position 10417, C replaced by T.
Protein change: p.Gln3473Ter; replaces glutamine 3473 with a stop codon.
Molecular consequence: nonsense.
Genome position (GRCh38, 1-based): chr6:32,046,364, G>A on the plus strand (C>T on the coding strand, the complement: TNXB is on the minus strand). VCF-style: chr6-32046364-G-A. GRCh37 (hg19) VCF-style: chr6-32014141-G-A.
Other names: c.11158C>T, p.Gln3720Ter (NM_001428335.1); c.10411C>T, p.Gln3471Ter (NM_019105.8); short protein forms Q3471*, Q3473*, Q3720*.
Identifiers: ClinVar variation 5013487 (VCV005013487.1).